The following is an entry in ClinVar:

NM_002878.4(RAD51D):c.218A>G (p.Glu73Gly)

Genes: RAD51D (RAD51 paralog D; minus strand), RAD51L3-RFFL (RAD51L3-RFFL readthrough; minus strand). Cytogenetic location: 17q12.
Variant type: single nucleotide variant.
Coding change: c.218A>G on transcript NM_002878.4 (MANE Select); coding-DNA position 218, A replaced by G.
Protein change: p.Glu73Gly; replaces glutamic acid 73 with glycine.
Molecular consequence: missense variant. On other transcripts: intron variant (2).
Genome position (GRCh38, 1-based): chr17:35,118,546, T>C on the plus strand (A>G on the coding strand, the complement: RAD51D is on the minus strand). VCF-style: chr17-35118546-T-C. GRCh37 (hg19) VCF-style: chr17-33445565-T-C.
Other names: c.144+565A>G (NM_133629.3, NM_001142571.2); short protein forms E73G.
Identifiers: ClinVar variation 3786515 (VCV003786515.1).

ClinVar aggregate classification (germline): Uncertain significance (1 of 4 stars; one submission).

Conditions:
Hereditary cancer-predisposing syndrome. Also called: Neoplastic Syndromes, Hereditary; Hereditary Cancer Syndrome; Tumor predisposition; Hereditary neoplastic syndrome. Identifiers: Orphanet 140162, MedGen C0027672, MeSH D009386, MONDO:0015356.

Submission:

Ambry Genetics
Classification: Uncertain significance for Hereditary cancer-predisposing syndrome. Last evaluated: 2025-03-03. Review status: criteria provided, single submitter. Criteria: Ambry Variant Classification Scheme 2023. Collection method: clinical testing. Allele origin: germline.
Comment: The p.E73G variant (also known as c.218A>G), located in coding exon 3 of the RAD51D gene, results from an A to G substitution at nucleotide position 218. The glutamic acid at codon 73 is replaced by glycine, an amino acid with similar properties. This amino acid position is highly conserved in available vertebrate species. In addition, the in silico prediction for this alteration is inconclusive. Based on the available evidence, the clinical significance of this variant remains unclear.